The following is an entry in ClinVar:

NM_020774.4(MIB1):c.2126A>G (p.His709Arg)

Gene: MIB1 (MIB E3 ubiquitin protein ligase 1; plus strand). Cytogenetic location: 18q11.2.
Variant type: single nucleotide variant.
Coding change: c.2126A>G on transcript NM_020774.4 (MANE Select); coding-DNA position 2126, A replaced by G.
Protein change: p.His709Arg; replaces histidine 709 with arginine.
Molecular consequence: missense variant.
Genome position (GRCh38, 1-based): chr18:21,844,168, A>G. VCF-style: chr18-21844168-A-G. GRCh37 (hg19) VCF-style: chr18-19424129-A-G.
Other names: short protein forms H709R.
Identifiers: ClinVar variation 1786321 (VCV001786321.2), dbSNP rs2042115682, ClinGen allele CA401795044.
Genomic context (GRCh38, chr18:21,844,168, plus strand): 5'-GTGCCAAGCTTGATATTCAGGATAAGGATGGGGATACTCCTTTGCATGAAGCTCTAAGGC[A>G]TCACACTTTGTCTCAGCTACGTCAGCTCCAAGATATGCAAGATGTGGGGAAGGTGGATGC-3'
Protein context (NP_065825.1, residues 699-719): GDTPLHEALR[His709Arg]HTLSQLRQLQ

ClinVar aggregate classification (germline): Uncertain significance (1 of 4 stars; one submission).

Conditions:
Inborn genetic diseases. Identifiers: MedGen C0950123, MeSH D030342.

Allele frequency attached by ClinVar (database versions not stated): gnomAD 0.00001; TOPMed 0.00001.
gnomAD v4.1: 2 of 1,614,052 alleles (0.00012%); highest among the groups gnomAD compares: African/African-American, 0.0013%; no homozygotes.

Submission:

Ambry Genetics
Classification: Uncertain significance for Inborn genetic diseases. Last evaluated: 2022-02-11. Review status: criteria provided, single submitter. Criteria: Ambry Variant Classification Scheme 2023. Collection method: clinical testing. Allele origin: germline.
Comment: The p.H709R variant (also known as c.2126A>G), located in coding exon 15 of the MIB1 gene, results from an A to G substitution at nucleotide position 2126. The histidine at codon 709 is replaced by arginine, an amino acid with highly similar properties. This amino acid position is conserved. In addition, this alteration is predicted to be tolerated by in silico analysis. Since supporting evidence is limited at this time, the clinical significance of this alteration remains unclear.